The following is an entry in ClinVar:

NM_002796.3(PSMB4):c.649T>C (p.Cys217Arg)

Gene: PSMB4 (proteasome 20S subunit beta 4; plus strand). Cytogenetic location: 1q21.3.
Variant type: single nucleotide variant.
Coding change: c.649T>C on transcript NM_002796.3 (MANE Select); coding-DNA position 649, T replaced by C.
Protein change: p.Cys217Arg; replaces cysteine 217 with arginine.
Molecular consequence: missense variant.
Genome position (GRCh38, 1-based): chr1:151,401,311, T>C. VCF-style: chr1-151401311-T-C. GRCh37 (hg19) VCF-style: chr1-151373787-T-C.
Other names: short protein forms C217R.
Identifiers: ClinVar variation 3663644 (VCV003663644.2).

ClinVar aggregate classification (germline): Uncertain significance (1 of 4 stars; one submission).

Submission:

Labcorp Genetics (formerly Invitae), Labcorp
Classification: Uncertain significance. Last evaluated: 2024-08-28. Review status: criteria provided, single submitter. Criteria: Invitae Variant Classification Sherloc (09022015). Collection method: clinical testing. Allele origin: germline.
Comment: This sequence change replaces cysteine, which is neutral and slightly polar, with arginine, which is basic and polar, at codon 217 of the PSMB4 protein (p.Cys217Arg). This variant is not present in population databases (gnomAD no frequency). This variant has not been reported in the literature in individuals affected with PSMB4-related conditions. An algorithm developed to predict the effect of missense changes on protein structure and function (PolyPhen-2) suggests that this variant is likely to be disruptive. In summary, the available evidence is currently insufficient to determine the role of this variant in disease. Therefore, it has been classified as a Variant of Uncertain Significance.